The following is an entry in ClinVar:

ClinVar aggregate classification (germline): Uncertain significance (1 of 4 stars; one submission).

Conditions:
Birt-Hogg-Dube syndrome. Also called: Birt Hogg Dubé syndrome. Identifiers: Orphanet 122, MedGen C0346010, MONDO:0800444.

Submission:

Labcorp Genetics (formerly Invitae), Labcorp
Classification: Uncertain significance for Birt-Hogg-Dube syndrome. Last evaluated: 2024-05-22. Review status: criteria provided, single submitter. Criteria: Invitae Variant Classification Sherloc (09022015). Collection method: clinical testing. Allele origin: germline.
Comment: This sequence change falls in intron 5 of the FLCN gene. It does not directly change the encoded amino acid sequence of the FLCN protein. It affects a nucleotide within the consensus splice site. This variant is not present in population databases (gnomAD no frequency). This variant has not been reported in the literature in individuals affected with FLCN-related conditions. ClinVar contains an entry for this variant (Variation ID: 2135973). Variants that disrupt the consensus splice site are a relatively common cause of aberrant splicing (PMID: 17576681, 9536098). Algorithms developed to predict the effect of sequence changes on RNA splicing suggest that this variant is not likely to affect RNA splicing. In summary, the available evidence is currently insufficient to determine the role of this variant in disease. Therefore, it has been classified as a Variant of Uncertain Significance.

Literature cited by the submitters: PubMed 17576681; PubMed 9536098.

NM_144997.7(FLCN):c.397-3C>T

Gene: FLCN (folliculin; minus strand). Cytogenetic location: 17p11.2.
Variant type: single nucleotide variant.
Coding change: c.397-3C>T on transcript NM_144997.7 (MANE Select); 3 bases into the intron before coding-DNA position 397, C replaced by T.
Molecular consequence: intron variant.
Genome position (GRCh38, 1-based): chr17:17,224,146, G>A on the plus strand (C>T on the coding strand, the complement: FLCN is on the minus strand). VCF-style: chr17-17224146-G-A. GRCh37 (hg19) VCF-style: chr17-17127460-G-A.
Other names: c.397-3C>T (NM_001353231.2, NM_001353230.2, NM_144606.7); c.451-3C>T (NM_001353229.2).
Identifiers: ClinVar variation 2135973 (VCV002135973.4), dbSNP rs2144983564, ClinGen allele CA2580092648.